The following is an entry in ClinVar:

NM_005343.4(HRAS):c.542G>A (p.Cys181Tyr)

Genes: HRAS (HRas proto-oncogene, GTPase; minus strand), LRRC56 (leucine rich repeat containing 56; plus strand). Cytogenetic location: 11p15.5.
Variant type: single nucleotide variant.
Coding change: c.542G>A on transcript NM_005343.4 (MANE Select); coding-DNA position 542, G replaced by A.
Protein change: p.Cys181Tyr; replaces cysteine 181 with tyrosine.
Molecular consequence: missense variant. On other transcripts: 3 prime UTR variant (1).
Genome position (GRCh38, 1-based): chr11:532,664, C>T on the plus strand (G>A on the coding strand, the complement: HRAS is on the minus strand). VCF-style: chr11-532664-C-T. GRCh37 (hg19) VCF-style: chr11-532664-C-T.
Other names: c.542G>A, p.Cys181Tyr (NM_001130442.3); c.305G>A, p.Cys102Tyr (NM_001318054.2); c.*111G>A (NM_176795.5); short protein forms C102Y, C181Y.
Identifiers: ClinVar variation 1042310 (VCV001042310.7), dbSNP rs1187682907, ClinGen allele CA378920965.

ClinVar aggregate classification (germline): Uncertain significance (1 of 4 stars; one submission).

Conditions:
Costello syndrome (CSTLO). Also called: HRAS-Related Costello Syndrome; FACIOCUTANEOSKELETAL SYNDROME; FCS SYNDROME. Identifiers: Orphanet 3071, MedGen C0587248, MONDO:0009026, OMIM 218040.

Allele frequency attached by ClinVar (database versions not stated): TOPMed below 0.00001.

Submission:

Labcorp Genetics (formerly Invitae), Labcorp
Classification: Uncertain significance for Costello syndrome. Last evaluated: 2025-02-02. Review status: criteria provided, single submitter. Criteria: Invitae Variant Classification Sherloc (09022015). Collection method: clinical testing. Allele origin: germline.
Comment: This sequence change replaces cysteine, which is neutral and slightly polar, with tyrosine, which is neutral and polar, at codon 181 of the HRAS protein (p.Cys181Tyr). This variant is not present in population databases (gnomAD no frequency). This variant has not been reported in the literature in individuals affected with HRAS-related conditions. ClinVar contains an entry for this variant (Variation ID: 1042310). Invitae Evidence Modeling of protein sequence and biophysical properties (such as structural, functional, and spatial information, amino acid conservation, physicochemical variation, residue mobility, and thermodynamic stability) has been performed for this missense variant. However, the output from this modeling did not meet the statistical confidence thresholds required to predict the impact of this variant on HRAS protein function. In summary, the available evidence is currently insufficient to determine the role of this variant in disease. Therefore, it has been classified as a Variant of Uncertain Significance.